The following is an entry in ClinVar:

NM_000051.4(ATM):c.5505del (p.Asp1836fs)

Gene: ATM (ATM serine/threonine kinase; plus strand). Cytogenetic location: 11q22.3.
Variant type: Deletion.
Coding change: c.5505del on transcript NM_000051.4 (MANE Select); coding-DNA position 5505, one base deleted (T; older notation c.5505delT).
Protein change: p.Asp1836fs; shifts the reading frame from aspartic acid 1836.
Molecular consequence: frameshift variant.
Genome position (GRCh38, 1-based): chr11:108,304,683, T deleted. VCF-style (leftmost placement, unchanged base first): chr11-108304682-CT-C. GRCh37 (hg19) VCF-style: chr11-108175409-CT-C.
Other names: c.5505del, p.Asp1836fs (NM_001351834.2); short protein forms D1836fs.
Identifiers: ClinVar variation 2568151 (VCV002568151.2), dbSNP rs2546986769, ClinGen allele CA2580615043.

ClinVar aggregate classification (germline): Pathogenic (1 of 4 stars; one submission).

Conditions:
Hereditary cancer-predisposing syndrome. Also called: Hereditary neoplastic syndrome; Hereditary Cancer Syndrome; Neoplastic Syndromes, Hereditary; Tumor predisposition. Identifiers: Orphanet 140162, MedGen C0027672, MeSH D009386, MONDO:0015356.

Submission:

Ambry Genetics
Classification: Pathogenic for Hereditary cancer-predisposing syndrome. Last evaluated: 2023-03-27. Review status: criteria provided, single submitter. Criteria: Ambry Variant Classification Scheme 2023. Collection method: clinical testing. Allele origin: germline.
Comment: The c.5505delT pathogenic mutation, located in coding exon 36 of the ATM gene, results from a deletion of one nucleotide at nucleotide position 5505, causing a translational frameshift with a predicted alternate stop codon (p.D1836Tfs*10). This variant is considered to be rare based on population cohorts in the Genome Aggregation Database (gnomAD). This alteration is expected to result in loss of function by premature protein truncation or nonsense-mediated mRNA decay. As such, this alteration is interpreted as a disease-causing mutation.